The following is an entry in ClinVar:

NM_031935.3(HMCN1):c.15482G>T (p.Gly5161Val)

Gene: HMCN1 (hemicentin 1; plus strand). Cytogenetic location: 1q31.1.
Variant type: single nucleotide variant.
Coding change: c.15482G>T on transcript NM_031935.3 (MANE Select); coding-DNA position 15482, G replaced by T.
Protein change: p.Gly5161Val; replaces glycine 5161 with valine.
Molecular consequence: missense variant.
Genome position (GRCh38, 1-based): chr1:186,166,850, G>T. VCF-style: chr1-186166850-G-T. GRCh37 (hg19) VCF-style: chr1-186135982-G-T.
Other names: short protein forms G5161V.
Identifiers: ClinVar variation 3616243 (VCV003616243.2).
Genomic context (GRCh38, chr1:186,166,850, plus strand): 5'-TGATTCCCTCTGTTGCAGATATTGATGAGTGTGCTTTGGGTAGGCATACCTGCCACGCTG[G>T]TCAGGACTGTGACAATACGATTGGATCTTATCGCTGTGTGGTCCGTTGTGGAAGTGGCTT-3'
Protein context (NP_114141.2, residues 5151-5171): CALGRHTCHA[Gly5161Val]QDCDNTIGSY

ClinVar aggregate classification (germline): Uncertain significance (1 of 4 stars; one submission).

Submission:

Labcorp Genetics (formerly Invitae), Labcorp
Classification: Uncertain significance. Last evaluated: 2024-12-15. Review status: criteria provided, single submitter. Criteria: Invitae Variant Classification Sherloc (09022015). Collection method: clinical testing. Allele origin: germline.
Comment: This sequence change replaces glycine, which is neutral and non-polar, with valine, which is neutral and non-polar, at codon 5161 of the HMCN1 protein (p.Gly5161Val). This variant is not present in population databases (gnomAD no frequency). This variant has not been reported in the literature in individuals affected with HMCN1-related conditions. An algorithm developed to predict the effect of missense changes on protein structure and function (PolyPhen-2) suggests that this variant is likely to be disruptive. In summary, the available evidence is currently insufficient to determine the role of this variant in disease. Therefore, it has been classified as a Variant of Uncertain Significance.